The following is an entry in ClinVar:

ClinVar aggregate classification (germline): Uncertain significance (1 of 4 stars; one submission).

Conditions:
Primary ciliary dyskinesia. Also called: Ciliary dyskinesia. Identifiers: Orphanet 244, MedGen C0008780, MONDO:0016575, HP:0012265.

Allele frequency attached by ClinVar (database versions not stated): gnomAD exomes 0.00001; TOPMed 0.00001; gnomAD 0.00002.
gnomAD v4.1: 24 of 1,608,102 alleles (0.0015%); highest among the groups gnomAD compares: Non-Finnish European, 0.0018%; no homozygotes.

Submission:

Labcorp Genetics (formerly Invitae), Labcorp
Classification: Uncertain significance for Primary ciliary dyskinesia. Last evaluated: 2019-03-07. Review status: criteria provided, single submitter. Criteria: Invitae Variant Classification Sherloc (09022015). Collection method: clinical testing. Allele origin: germline.
Comment: In summary, the available evidence is currently insufficient to determine the role of this variant in disease. Therefore, it has been classified as a Variant of Uncertain Significance. Algorithms developed to predict the effect of missense changes on protein structure and function are either unavailable or do not agree on the potential impact of this missense change (SIFT: "Tolerated"; PolyPhen-2: "Not Available"; Align-GVGD: "Class C0"). This variant has not been reported in the literature in individuals with DNAH8-related conditions. This variant is not present in population databases (ExAC no frequency). This sequence change replaces histidine with tyrosine at codon 3735 of the DNAH8 protein (p.His3735Tyr). The histidine residue is weakly conserved and there is a moderate physicochemical difference between histidine and tyrosine.

NM_001206927.2(DNAH8):c.11203C>T (p.His3735Tyr)

Genes: DNAH8 (dynein axonemal heavy chain 8; plus strand), DNAH8-AS1 (DNAH8 antisense RNA 1; minus strand). Cytogenetic location: 6p21.2.
Variant type: single nucleotide variant.
Coding change: c.11203C>T on transcript NM_001206927.2 (MANE Select); coding-DNA position 11203, C replaced by T.
Protein change: p.His3735Tyr; replaces histidine 3735 with tyrosine.
Molecular consequence: missense variant.
Genome position (GRCh38, 1-based): chr6:38,929,595, C>T. VCF-style: chr6-38929595-C-T. GRCh37 (hg19) VCF-style: chr6-38897371-C-T.
Other names: c.10552C>T, p.His3518Tyr (NM_001371.4); short protein forms H3735Y, H3518Y.
Identifiers: ClinVar variation 855682 (VCV000855682.9), dbSNP rs1215135195, ClinGen allele CA364016573.